The following is an entry in ClinVar:

ClinVar aggregate classification (germline): Uncertain significance (1 of 4 stars; one submission).

Conditions:
Fanconi anemia (FA). Also called: Fanconi's anemia. Identifiers: Orphanet 84, MedGen C0015625, MeSH D005199, MONDO:0019391.

Allele frequency attached by ClinVar (database versions not stated): TOPMed below 0.00001.
gnomAD v4.1: 4 of 1,614,004 alleles (0.00025%); highest among the groups gnomAD compares: East Asian, 0.0022%; no homozygotes.

Submission:

Labcorp Genetics (formerly Invitae), Labcorp
Classification: Uncertain significance for Fanconi anemia. Last evaluated: 2025-10-22. Review status: criteria provided, single submitter. Criteria: Invitae Variant Classification Sherloc (09022015). Collection method: clinical testing. Allele origin: germline.
Comment: This sequence change replaces aspartic acid, which is acidic and polar, with asparagine, which is neutral and polar, at codon 1016 of the FANCA protein (p.Asp1016Asn). This variant is not present in population databases (gnomAD no frequency). This variant has not been reported in the literature in individuals affected with FANCA-related conditions. ClinVar contains an entry for this variant (Variation ID: 1979558). Invitae Evidence Modeling of protein sequence and biophysical properties (such as structural, functional, and spatial information, amino acid conservation, physicochemical variation, residue mobility, and thermodynamic stability) has been performed for this missense variant. However, the output from this modeling did not meet the statistical confidence thresholds required to predict the impact of this variant on FANCA protein function. In summary, the available evidence is currently insufficient to determine the role of this variant in disease. Therefore, it has been classified as a Variant of Uncertain Significance.

NM_000135.4(FANCA):c.3046G>A (p.Asp1016Asn)

Gene: FANCA (FA complementation group A; minus strand). Cytogenetic location: 16q24.3.
Variant type: single nucleotide variant.
Coding change: c.3046G>A on transcript NM_000135.4 (MANE Select); coding-DNA position 3046, G replaced by A.
Protein change: p.Asp1016Asn; replaces aspartic acid 1016 with asparagine.
Molecular consequence: missense variant.
Genome position (GRCh38, 1-based): chr16:89,752,158, C>T on the plus strand (G>A on the coding strand, the complement: FANCA is on the minus strand). VCF-style: chr16-89752158-C-T. GRCh37 (hg19) VCF-style: chr16-89818566-C-T.
Other names: c.3046G>A, p.Asp1016Asn (NM_001286167.3); short protein forms D1016N.
Identifiers: ClinVar variation 1979558 (VCV001979558.3), dbSNP rs2038616997, ClinGen allele CA397426029.